The following is an entry in ClinVar:

ClinVar aggregate classification (germline): Uncertain significance. Review status: criteria provided, multiple submitters, no conflicts (2 of 4 stars). 2 submissions from 2 submitters: Uncertain significance (2). Last evaluated 2025-08-13.

Conditions:
Cardiovascular phenotype. Identifiers: MedGen CN230736.
Ehlers-Danlos syndrome, musculocontractural type (EDSMC). Also called: Adducted thumb, clubfoot, progressive joint and skin laxity syndrome; ARTHROGRYPOSIS, DISTAL, WITH PECULIAR FACIES AND HYDRONEPHROSIS; ADDUCTED THUMB-CLUBFOOT SYNDROME; DUNDAR SYNDROME. Identifiers: Orphanet 2953, MedGen C1866294, MONDO:0011142.

Allele frequency attached by ClinVar (database versions not stated): gnomAD exomes 0.00001; TOPMed 0.00001; 1000 Genomes Project 30x 0.00031.
gnomAD v4.1: 18 of 1,613,478 alleles (0.0011%); highest among the groups gnomAD compares: Non-Finnish European, 0.0015%; no homozygotes.

Submissions (2):

Labcorp Genetics (formerly Invitae), Labcorp
Classification: Uncertain significance for Ehlers-Danlos syndrome, musculocontractural type. Last evaluated: 2025-08-13. Review status: criteria provided, single submitter. Criteria: Invitae Variant Classification Sherloc (09022015). Collection method: clinical testing. Allele origin: germline.
Comment: This sequence change replaces valine, which is neutral and non-polar, with isoleucine, which is neutral and non-polar, at codon 143 of the CHST14 protein (p.Val143Ile). This variant is present in population databases (rs550038340, gnomAD 0.003%). This variant has not been reported in the literature in individuals affected with CHST14-related conditions. ClinVar contains an entry for this variant (Variation ID: 1739335). Invitae Evidence Modeling of protein sequence and biophysical properties (such as structural, functional, and spatial information, amino acid conservation, physicochemical variation, residue mobility, and thermodynamic stability) indicates that this missense variant is not expected to disrupt CHST14 protein function with a negative predictive value of 80%. In summary, the available evidence is currently insufficient to determine the role of this variant in disease. Therefore, it has been classified as a Variant of Uncertain Significance.

Ambry Genetics
Classification: Uncertain significance for Cardiovascular phenotype. Last evaluated: 2021-06-22. Review status: criteria provided, single submitter. Criteria: Ambry Variant Classification Scheme 2023. Collection method: clinical testing. Allele origin: germline.
Comment: The p.V143I variant (also known as c.427G>A), located in coding exon 1 of the CHST14 gene, results from a G to A substitution at nucleotide position 427. The valine at codon 143 is replaced by isoleucine, an amino acid with highly similar properties. This amino acid position is conserved. In addition, this alteration is predicted to be deleterious by in silico analysis. Since supporting evidence is limited at this time, the clinical significance of this alteration remains unclear.

NM_130468.4(CHST14):c.427G>A (p.Val143Ile)

Gene: CHST14 (carbohydrate sulfotransferase 14; plus strand). Cytogenetic location: 15q15.1.
Variant type: single nucleotide variant.
Coding change: c.427G>A on transcript NM_130468.4 (MANE Select); coding-DNA position 427, G replaced by A.
Protein change: p.Val143Ile; replaces valine 143 with isoleucine.
Molecular consequence: missense variant.
Genome position (GRCh38, 1-based): chr15:40,471,640, G>A. VCF-style: chr15-40471640-G-A. GRCh37 (hg19) VCF-style: chr15-40763839-G-A.
Other names: short protein forms V143I.
Identifiers: ClinVar variation 1739335 (VCV001739335.7), dbSNP rs550038340, ClinGen allele CA7481597.